The following is an entry in ClinVar:

ClinVar aggregate classification (germline): Likely pathogenic (1 of 4 stars; one submission).

Conditions:
DICER1-related tumor predisposition. Also called: DICER1-related pleuropulmonary blastoma cancer predisposition syndrome; DICER1 syndrome. Identifiers: Orphanet 284343, MedGen C3839822, MONDO:0100216.

Submission:

Labcorp Genetics (formerly Invitae), Labcorp
Classification: Likely pathogenic for DICER1-related tumor predisposition. Last evaluated: 2020-02-26. Review status: criteria provided, single submitter. Criteria: Invitae Variant Classification Sherloc (09022015). Collection method: clinical testing. Allele origin: germline.
Comment: In summary, the currently available evidence indicates that the variant is pathogenic, but additional data are needed to prove that conclusively. Therefore, this variant has been classified as Likely Pathogenic. Donor and acceptor splice site variants typically lead to a loss of protein function (PMID: 16199547), and loss-of-function variants in DICER1 are known to be pathogenic (PMID: 19556464, 21266384). This variant has not been reported in the literature in individuals with DICER1-related conditions. This variant is not present in population databases (ExAC no frequency). This sequence change affects an acceptor splice site in intron 11 of the DICER1 gene. It is expected to disrupt RNA splicing and likely results in an absent or disrupted protein product.

Literature cited by the submitters: PubMed 16199547; PubMed 19556464; PubMed 21266384.

NM_177438.3(DICER1):c.1908-1G>A

Gene: DICER1 (dicer 1, ribonuclease III; minus strand). Cytogenetic location: 14q32.13.
Variant type: single nucleotide variant.
Coding change: c.1908-1G>A on transcript NM_177438.3 (MANE Select); the canonical splice acceptor site of the intron before coding-DNA position 1908, G replaced by A.
Molecular consequence: splice acceptor variant.
Genome position (GRCh38, 1-based): chr14:95,113,225, C>T on the plus strand (G>A on the coding strand, the complement: DICER1 is on the minus strand). VCF-style: chr14-95113225-C-T. GRCh37 (hg19) VCF-style: chr14-95579562-C-T.
Other names: c.1908-1G>A (NM_001291628.2, NM_030621.4, NM_001395677.1 and 12 more transcripts); c.1503-1G>A (NM_001395690.1, NM_001395687.1, NM_001395689.1 and 3 more transcripts); c.1626-1G>A (NM_001395686.1); c.1341-1G>A (NM_001395691.1); c.225-1G>A (NM_001395697.1).
Identifiers: ClinVar variation 1065958 (VCV001065958.9), dbSNP rs1595397289, ClinGen allele CA390883600.